The following is an entry in ClinVar:

ClinVar aggregate classification (germline): Uncertain significance (1 of 4 stars; one submission).

Allele frequency attached by ClinVar (database versions not stated): gnomAD exomes 0.00001; ExAC 0.00002; gnomAD 0.00002; TOPMed 0.00002; 1000 Genomes Project 30x 0.00016; 1000 Genomes Project 0.00020.
gnomAD v4.1: 12 of 1,612,428 alleles (0.00074%); highest among the groups gnomAD compares: Admixed American, 0.0017%; no homozygotes.

Submission:

Labcorp Genetics (formerly Invitae), Labcorp
Classification: Uncertain significance. Last evaluated: 2025-10-01. Review status: criteria provided, single submitter. Criteria: Invitae Variant Classification Sherloc (09022015). Collection method: clinical testing. Allele origin: germline.
Comment: This sequence change replaces isoleucine, which is neutral and non-polar, with valine, which is neutral and non-polar, at codon 669 of the NIN protein (p.Ile669Val). This variant is present in population databases (rs151004369, gnomAD 0.004%). This variant has not been reported in the literature in individuals affected with NIN-related conditions. ClinVar contains an entry for this variant (Variation ID: 2713984). An algorithm developed to predict the effect of missense changes on protein structure and function (PolyPhen-2) suggests that this variant is likely to be tolerated. Algorithms developed to predict the effect of sequence changes on RNA splicing suggest that this variant may create or strengthen a splice site. In summary, the available evidence is currently insufficient to determine the role of this variant in disease. Therefore, it has been classified as a Variant of Uncertain Significance.

NM_020921.4(NIN):c.2005A>G (p.Ile669Val)

Genes: NIN (ninein; minus strand), LOC130055602 (ATAC-STARR-seq lymphoblastoid active region 8362; plus strand). Cytogenetic location: 14q22.1.
Variant type: single nucleotide variant.
Coding change: c.2005A>G on transcript NM_020921.4 (MANE Select); coding-DNA position 2005, A replaced by G.
Protein change: p.Ile669Val; replaces isoleucine 669 with valine.
Molecular consequence: missense variant.
Genome position (GRCh38, 1-based): chr14:50,760,251, T>C on the plus strand (A>G on the coding strand, the complement: NIN is on the minus strand). VCF-style: chr14-50760251-T-C. GRCh37 (hg19) VCF-style: chr14-51226969-T-C.
Other names: c.2005A>G, p.Ile669Val (NM_016350.5, NM_182944.3, NM_182946.2); short protein forms I669V.
Identifiers: ClinVar variation 2713984 (VCV002713984.3), dbSNP rs151004369, ClinGen allele CA7182016.